The following is an entry in ClinVar:

ClinVar aggregate classification (germline): Likely benign. Review status: criteria provided, multiple submitters, no conflicts (2 of 4 stars). 2 submissions from 2 submitters: Likely benign (2). Last evaluated 2026-01-12.

Allele frequency attached by ClinVar (database versions not stated): TOPMed below 0.00001; gnomAD 0.00001 and 0.00002.
gnomAD v4.1: 3 of 1,614,142 alleles (0.00019%); highest among the groups gnomAD compares: East Asian, 0.0045%; no homozygotes.

Submissions (2):

Labcorp Genetics (formerly Invitae), Labcorp
Classification: Likely benign. Last evaluated: 2026-01-12. Review status: criteria provided, single submitter. Criteria: Invitae Variant Classification Sherloc (09022015). Collection method: clinical testing. Allele origin: germline.

GeneDx
Classification: Likely benign. Last evaluated: 2018-02-01. Review status: criteria provided, single submitter. Criteria: GeneDx Variant Classification (06012015). Collection method: clinical testing. Allele origin: germline. Affected: yes.
Comment: This variant is considered likely benign or benign based on one or more of the following criteria: it is a conservative change, it occurs at a poorly conserved position in the protein, it is predicted to be benign by multiple in silico algorithms, and/or has population frequency not consistent with disease.

NM_080680.3(COL11A2):c.678G>A (p.Leu226=)

Gene: COL11A2 (collagen type XI alpha 2 chain; minus strand). Cytogenetic location: 6p21.32.
Variant type: single nucleotide variant.
Coding change: c.678G>A on transcript NM_080680.3 (MANE Select); coding-DNA position 678, G replaced by A.
Protein change: p.Leu226=; no amino-acid change (leucine 226 retained).
Molecular consequence: synonymous variant.
Genome position (GRCh38, 1-based): chr6:33,186,747, C>T on the plus strand (G>A on the coding strand, the complement: COL11A2 is on the minus strand). VCF-style: chr6-33186747-C-T. GRCh37 (hg19) VCF-style: chr6-33154524-C-T.
Other names: c.678G>A, p.Leu226= (NM_001163771.2, NM_080679.3, NM_080681.3).
Identifiers: ClinVar variation 515077 (VCV000515077.4), dbSNP rs1477141287, ClinGen allele CA449845705.